The following is an entry in ClinVar:

ClinVar aggregate classification (germline): Uncertain significance (1 of 4 stars; one submission).

Submission:

Clinical Genomics Laboratory, Laboratory for Precision Diagnostics, University of Washington
Classification: Uncertain significance. Last evaluated: 2022-12-23. Review status: criteria provided, single submitter. Criteria: ACMG/ClinGen CNV Guidelines, 2019. Collection method: clinical testing. Allele origin: unknown. Affected: yes. Observed: 1 variant allele.
Comment: This interstitial duplication is approximately 691 kb in size and affects 6 protein-coding genes. It doesn’t overlap any known dosage sensitive genes or regions. DECIPHER includes one person (380245) with a nearly identical duplication, which was paternally inherited. The person has feeding difficulties, external ear abnormality, prenatal and postnatal growth restriction, distinctive facial features, and delayed gross motor development. ClinVar includes six people with a nearly identical duplication, and all were classified as a variant of uncertain significance by the submitting laboratory. The duplication was maternally inherited in one person, and the rest were unknown. The clinical features were autism, global developmental delay, delayed gross motor development (2), neurodevelopmental abnormality, hypotonia, specific learning disability, delayed speech and language development, poor coordination, patent ductus arteriosus. This duplication does not appear in the Database of Genomic Variants (DGV) or gnomAD.

GRCh38/hg38 12q21.1-21.2(chr12:75025938-75716971)x3

Genes: CAPS2 (calcyphosine 2; minus strand), GLIPR1 (GLI pathogenesis related 1; plus strand), GLIPR1-AS1 (GLIPR1 antisense RNA 1; minus strand), GLIPR1L1 (GLIPR1 like 1; plus strand), GLIPR1L2 (GLIPR1 like 2; plus strand) and 9 more. Cytogenetic location: 12q21.1-21.2.
Variant type: copy number gain.
Change: copy number 3 (three copies instead of two) of chr12:75,025,938-75,716,971 (691.0 kb, GRCh38 coordinates, 1-based), cytogenetic band 12q21.1-21.2.
Identifiers: ClinVar variation 4852076 (VCV004852076.1).